The following is an entry in ClinVar:

NM_001007553.3(CSDE1):c.1810C>G (p.Pro604Ala)

Gene: CSDE1 (cold shock domain containing E1; minus strand). Cytogenetic location: 1p13.2.
Variant type: single nucleotide variant.
Coding change: c.1810C>G on transcript NM_001007553.3 (MANE Select); coding-DNA position 1810, C replaced by G.
Protein change: p.Pro604Ala; replaces proline 604 with alanine.
Molecular consequence: missense variant.
Genome position (GRCh38, 1-based): chr1:114,723,946, G>C on the plus strand (C>G on the coding strand, the complement: CSDE1 is on the minus strand). VCF-style: chr1-114723946-G-C. GRCh37 (hg19) VCF-style: chr1-115266567-G-C.
Other names: c.1855C>G, p.Pro619Ala (NM_001130523.3); c.1948C>G, p.Pro650Ala (NM_001242891.2); c.1810C>G, p.Pro604Ala (NM_001242892.2); c.1717C>G, p.Pro573Ala (NM_001242893.2, NM_007158.6); short protein forms P573A, P604A, P619A, P650A.
Identifiers: ClinVar variation 3365686 (VCV003365686.1).

ClinVar aggregate classification (germline): Uncertain significance (1 of 4 stars; one submission).

Submission:

GeneDx
Classification: Uncertain significance. Last evaluated: 2023-12-12. Review status: criteria provided, single submitter. Criteria: GeneDx Variant Classification Process June 2021. Collection method: clinical testing. Allele origin: germline. Affected: yes.
Comment: Not observed at significant frequency in large population cohorts (gnomAD); In silico analysis supports that this missense variant has a deleterious effect on protein structure/function; Has not been previously published as pathogenic or benign to our knowledge